The following is an entry in ClinVar:

NM_000535.7(PMS2):c.1448A>G (p.Asp483Gly)

Gene: PMS2 (PMS1 homolog 2, mismatch repair system component; minus strand). Cytogenetic location: 7p22.1.
Variant type: single nucleotide variant.
Coding change: c.1448A>G on transcript NM_000535.7 (MANE Select); coding-DNA position 1448, A replaced by G.
Protein change: p.Asp483Gly; replaces aspartic acid 483 with glycine.
Molecular consequence: missense variant. On other transcripts: non-coding transcript variant (1).
Genome position (GRCh38, 1-based): chr7:5,987,317, T>C on the plus strand (A>G on the coding strand, the complement: PMS2 is on the minus strand). VCF-style: chr7-5987317-T-C. GRCh37 (hg19) VCF-style: chr7-6026948-T-C.
Other names: c.1043A>G, p.Asp348Gly (NM_001018040.1, NM_001322003.2, NM_001322004.2 and 17 more transcripts); c.1292A>G, p.Asp431Gly (NM_001322006.2, NM_001406870.1); c.1130A>G, p.Asp377Gly (NM_001322007.2, NM_001322008.2, NM_001406876.1 and 2 more transcripts); c.887A>G, p.Asp296Gly (NM_001322010.2, NM_001406906.1, NM_001406907.1); c.515A>G, p.Asp172Gly (NM_001322011.2, NM_001322012.2); c.875A>G, p.Asp292Gly (NM_001322013.2, NM_001406909.1); c.1448A>G, p.Asp483Gly (NM_001322014.2, NM_001406871.1, NM_001406872.1); c.1139A>G, p.Asp380Gly (NM_001322015.2, NM_001406875.1, NM_001406877.1 and 5 more transcripts); and 12 more; short protein forms D296G, D325G, D328G, D348G, D361G, D371G, D377G, D380G.
Identifiers: ClinVar variation 1772833 (VCV001772833.2), dbSNP rs2128730424, ClinGen allele CA366741947.

ClinVar aggregate classification (germline): Uncertain significance (1 of 4 stars; one submission).

Conditions:
Hereditary cancer-predisposing syndrome. Also called: Hereditary Cancer Syndrome; Hereditary neoplastic syndrome; Neoplastic Syndromes, Hereditary; Tumor predisposition. Identifiers: Orphanet 140162, MedGen C0027672, MeSH D009386, MONDO:0015356.

Submission:

Ambry Genetics
Classification: Uncertain significance for Hereditary cancer-predisposing syndrome. Last evaluated: 2020-02-25. Review status: criteria provided, single submitter. Criteria: Ambry Variant Classification Scheme 2023. Collection method: clinical testing. Allele origin: germline.
Comment: The p.D483G variant (also known as c.1448A>G), located in coding exon 11 of the PMS2 gene, results from an A to G substitution at nucleotide position 1448. The aspartic acid at codon 483 is replaced by glycine, an amino acid with similar properties. This amino acid position is not well conserved in available vertebrate species. In addition, this alteration is predicted to be tolerated by in silico analysis. Since supporting evidence is limited at this time, the clinical significance of this alteration remains unclear.